The following is an entry in ClinVar:

NM_001358235.2(DCHS2):c.4047C>T (p.Asp1349=)

Gene: DCHS2 (dachsous cadherin-related 2; minus strand). Cytogenetic location: 4q31.3.
Variant type: single nucleotide variant.
Coding change: c.4047C>T on transcript NM_001358235.2 (MANE Select); coding-DNA position 4047, C replaced by T.
Protein change: p.Asp1349=; no amino-acid change (aspartic acid 1349 retained).
Molecular consequence: synonymous variant.
Genome position (GRCh38, 1-based): chr4:154,322,460, G>A on the plus strand (C>T on the coding strand, the complement: DCHS2 is on the minus strand). VCF-style: chr4-154322460-G-A. GRCh37 (hg19) VCF-style: chr4-155243612-G-A.
Identifiers: ClinVar variation 3034489 (VCV003034489.2), dbSNP rs142864637, ClinGen allele CA3112959.

ClinVar aggregate classification (germline): Benign (0 of 4 stars; one submission).

Conditions:
DCHS2-related disorder. Also called: DCHS2-related condition.

Allele frequency attached by ClinVar (database versions not stated): gnomAD exomes 0.00034; ExAC 0.00108; gnomAD 0.00327; TOPMed 0.00349; ESP Exome Variant Server 0.00361; 1000 Genomes Project 0.00439; 1000 Genomes Project 30x 0.00468.
gnomAD v4.1: 1,026 of 1,613,190 alleles (0.064%); highest among the groups gnomAD compares: African/African-American, 1.1%; 10 homozygotes.

Submission:

PreventionGenetics, part of Exact Sciences
Classification: Benign for DCHS2-related condition. Last evaluated: 2019-06-11. Review status: no assertion criteria provided. Collection method: clinical testing. Allele origin: germline.
Comment: This variant is classified as benign based on ACMG/AMP sequence variant interpretation guidelines (Richards et al. 2015 PMID: 25741868, with internal and published modifications).